The following is an entry in ClinVar:

ClinVar aggregate classification (germline): Uncertain significance. Review status: criteria provided, multiple submitters, no conflicts (2 of 4 stars). 3 submissions from 3 submitters: Uncertain significance (3). Last evaluated 2022-05-27.

Conditions:
Hereditary cancer-predisposing syndrome. Also called: Hereditary Cancer Syndrome; Neoplastic Syndromes, Hereditary; Tumor predisposition; Hereditary neoplastic syndrome. Identifiers: Orphanet 140162, MedGen C0027672, MeSH D009386, MONDO:0015356.
Neurofibromatosis, type 1 (NF1). Also called: Neurofibromatosis, type I; VON RECKLINGHAUSEN DISEASE; NEUROFIBROMATOSIS, TYPE I, SOMATIC; Peripheral type neurofibromatosis. Identifiers: Orphanet 636, MedGen C0027831, MONDO:0018975, OMIM 162200. Disease mechanism: loss of function.

Allele frequency attached by ClinVar (database versions not stated): gnomAD exomes below 0.00001.
gnomAD v4.1: 1 of 1,614,110 alleles (0.000062%); highest among the groups gnomAD compares: Non-Finnish European, 0.000085%; no homozygotes.

Submissions (3):

Labcorp Genetics (formerly Invitae), Labcorp
Classification: Uncertain significance for Neurofibromatosis, type 1. Last evaluated: 2022-05-27. Review status: criteria provided, single submitter. Criteria: Invitae Variant Classification Sherloc (09022015). Collection method: clinical testing. Allele origin: germline.
Comment: In summary, the available evidence is currently insufficient to determine the role of this variant in disease. Therefore, it has been classified as a Variant of Uncertain Significance. Algorithms developed to predict the effect of missense changes on protein structure and function are either unavailable or do not agree on the potential impact of this missense change (SIFT: "Tolerated"; PolyPhen-2: "Probably Damaging"; Align-GVGD: "Class C0"). ClinVar contains an entry for this variant (Variation ID: 229919). This variant has not been reported in the literature in individuals affected with NF1-related conditions. This variant is not present in population databases (gnomAD no frequency). This sequence change replaces leucine, which is neutral and non-polar, with phenylalanine, which is neutral and non-polar, at codon 1340 of the NF1 protein (p.Leu1340Phe).

GeneDx
Classification: Uncertain significance. Last evaluated: 2018-05-11. Review status: criteria provided, single submitter. Criteria: GeneDx Variant Classification (06012015). Collection method: clinical testing. Allele origin: germline. Affected: yes.
Comment: This variant is denoted NF1 c.4018C>T at the cDNA level, p.Leu1340Phe (L1340F) at the protein level, and results in the change of a Leucine to a Phenylalanine (CTT>TTT). This variant has not, to our knowledge, been published in the literature as a pathogenic or benign germline variant. NF1 Leu1340Phe was not observed in large population cohorts (Lek 2016). This variant is located in the GTPase activating protein domain (Thomas 2012, Luo 2014). In silico analysis, which includes protein predictors and evolutionary conservation, supports that this variant does not alter protein structure/function. Based on currently available evidence, it is unclear whether NF1 Leu1340Phe is a pathogenic or benign variant. We consider it to be a variant of uncertain significance.

Ambry Genetics
Classification: Uncertain significance for Hereditary cancer-predisposing syndrome. Last evaluated: 2015-01-07. Review status: criteria provided, single submitter. Criteria: Ambry Autosomal Dominant and X-Linked criteria (10/2015). Collection method: clinical testing. Allele origin: germline. Observed: 1 variant allele.
Comment: The p.L1340F variant (also known as c.4018C>T), located in coding exon 30 of the NF1 gene, results from a C to T substitution at nucleotide position 4018. The leucine at codon 1340 is replaced by phenylalanine, an amino acid with highly similar properties. This variant was not reported in population based cohorts in the following databases: Database of Single Nucleotide Polymorphisms (dbSNP), NHLBI Exome Sequencing Project (ESP), and 1000 Genomes Project. In the ESP, this variant was not observed in 6503 samples (13006 alleles) with coverage at this position. To date, this alteration has been detected with an allele frequency of approximately 0.003% (greater than 30000 alleles tested) in our clinical cohort. This amino acid position is highly conserved in available vertebrate species. In addition, this alteration is predicted to be possibly damaging and tolerated by PolyPhen and SIFT in silico analyses, respectively. Since supporting evidence is limited at this time, the clinical significance of p.L1340F remains unclear.

NM_001042492.3(NF1):c.4018C>T (p.Leu1340Phe)

Gene: NF1 (neurofibromin 1; plus strand). Cytogenetic location: 17q11.2.
Variant type: single nucleotide variant.
Coding change: c.4018C>T on transcript NM_001042492.3 (MANE Select); coding-DNA position 4018, C replaced by T.
Protein change: p.Leu1340Phe; replaces leucine 1340 with phenylalanine.
Molecular consequence: missense variant.
Genome position (GRCh38, 1-based): chr17:31,249,027, C>T. VCF-style: chr17-31249027-C-T. GRCh37 (hg19) VCF-style: chr17-29576045-C-T.
Other names: c.4018C>T, p.Leu1340Phe (NM_000267.4); short protein forms L1340F.
Identifiers: ClinVar variation 229919 (VCV000229919.8), dbSNP rs876658268, ClinGen allele CA10580305.